The following is an entry in ClinVar:

ClinVar aggregate classification (germline): Uncertain significance (1 of 4 stars; one submission).

Conditions:
Inborn genetic diseases. Identifiers: MedGen C0950123, MeSH D030342.

Submission:

Ambry Genetics
Classification: Uncertain significance for Inborn genetic diseases. Last evaluated: 2026-02-24. Review status: criteria provided, single submitter. Criteria: Ambry Variant Classification Scheme 2023. Collection method: clinical testing. Allele origin: germline.
Comment: The p.D423H variant (also known as c.1267G>C), located in coding exon 1 of the SAMD9 gene, results from a G to C substitution at nucleotide position 1267. The aspartic acid at codon 423 is replaced by histidine, an amino acid with similar properties. This amino acid position is conserved. In addition, this alteration is predicted to be tolerated by in silico analysis. Based on the available evidence, the clinical significance of this variant remains unclear.

NM_017654.4(SAMD9):c.1267G>C (p.Asp423His)

Gene: SAMD9 (sterile alpha motif domain containing 9; minus strand). Cytogenetic location: 7q21.2.
Variant type: single nucleotide variant.
Coding change: c.1267G>C on transcript NM_017654.4 (MANE Select); coding-DNA position 1267, G replaced by C.
Protein change: p.Asp423His; replaces aspartic acid 423 with histidine.
Molecular consequence: missense variant.
Genome position (GRCh38, 1-based): chr7:93,104,831, C>G on the plus strand (G>C on the coding strand, the complement: SAMD9 is on the minus strand). VCF-style: chr7-93104831-C-G. GRCh37 (hg19) VCF-style: chr7-92734144-C-G.
Other names: c.1267G>C, p.Asp423His (NM_001193307.2); short protein forms D423H.
Identifiers: ClinVar variation 4827000 (VCV004827000.1).